The following is an entry in ClinVar:

NM_003072.5(SMARCA4):c.13G>C (p.Asp5His)

Gene: SMARCA4 (SWI/SNF related BAF chromatin remodeling complex subunit ATPase 4; plus strand). Cytogenetic location: 19p13.2.
Variant type: single nucleotide variant.
Coding change: c.13G>C on transcript NM_003072.5 (MANE Select); coding-DNA position 13, G replaced by C.
Protein change: p.Asp5His; replaces aspartic acid 5 with histidine.
Molecular consequence: missense variant. On other transcripts: non-coding transcript variant (1).
Genome position (GRCh38, 1-based): chr19:10,984,164, G>C. VCF-style: chr19-10984164-G-C. GRCh37 (hg19) VCF-style: chr19-11094840-G-C.
Other names: c.13G>C, p.Asp5His (NM_001128844.3, NM_001128845.2, NM_001128846.2 and 6 more transcripts); short protein forms D5H.
Identifiers: ClinVar variation 1771771 (VCV001771771.2), dbSNP rs2145720331, ClinGen allele CA404053860.

ClinVar aggregate classification (germline): Uncertain significance (1 of 4 stars; one submission).

Conditions:
Hereditary cancer-predisposing syndrome. Also called: Hereditary Cancer Syndrome; Hereditary neoplastic syndrome; Neoplastic Syndromes, Hereditary; Tumor predisposition. Identifiers: Orphanet 140162, MedGen C0027672, MeSH D009386, MONDO:0015356.

Submission:

Ambry Genetics
Classification: Uncertain significance for Hereditary cancer-predisposing syndrome. Last evaluated: 2022-02-14. Review status: criteria provided, single submitter. Criteria: Ambry Variant Classification Scheme 2023. Collection method: clinical testing. Allele origin: germline.
Comment: The p.D5H variant (also known as c.13G>C), located in coding exon 1 of the SMARCA4 gene, results from a G to C substitution at nucleotide position 13. The aspartic acid at codon 5 is replaced by histidine, an amino acid with similar properties. This amino acid position is highly conserved in available vertebrate species. In addition, this alteration is predicted to be deleterious by in silico analysis. Missense and in-frame variants in SMARCA4 are known to cause neurodevelopmental disorders; however, such associations with rhabdoid tumor predisposition syndrome including small cell carcinoma of the ovary-hypercalcemic type (SCCOHT) are exceedingly rare (Kosho T et al. Am J Med Genet C Semin Med Genet. 2014 Sep;166C(3):262-75; Jelinic P et al. Nat Genet. 2014 May;46(5):424-6). Since supporting evidence is limited at this time, the clinical significance of this alteration remains unclear.